The following is an entry in ClinVar:

ClinVar aggregate classification (germline): Uncertain significance. Review status: criteria provided, multiple submitters, no conflicts (2 of 4 stars). 2 submissions from 2 submitters: Uncertain significance (2). Last evaluated 2023-08-13.

Conditions:
Primary ciliary dyskinesia. Also called: Ciliary dyskinesia. Identifiers: Orphanet 244, MedGen C0008780, MONDO:0016575, HP:0012265.

Allele frequency attached by ClinVar (database versions not stated): gnomAD exomes below 0.00001; gnomAD 0.00001.
gnomAD v4.1: 2 of 1,613,994 alleles (0.00012%); highest among the groups gnomAD compares: Admixed American, 0.0033%; no homozygotes.

Submissions (2):

Ambry Genetics
Classification: Uncertain significance for Primary ciliary dyskinesia. Last evaluated: 2023-08-13. Review status: criteria provided, single submitter. Criteria: Ambry Variant Classification Scheme 2023. Collection method: clinical testing. Allele origin: germline.
Comment: The p.C1962Y variant (also known as c.5885G>A), located in coding exon 36 of the DNAH5 gene, results from a G to A substitution at nucleotide position 5885. The cysteine at codon 1962 is replaced by tyrosine, an amino acid with highly dissimilar properties. This amino acid position is conserved. In addition, the in silico prediction for this alteration is inconclusive. Since supporting evidence is limited at this time, the clinical significance of this alteration remains unclear.

Labcorp Genetics (formerly Invitae), Labcorp
Classification: Uncertain significance for Primary ciliary dyskinesia. Last evaluated: 2022-03-26. Review status: criteria provided, single submitter. Criteria: Invitae Variant Classification Sherloc (09022015). Collection method: clinical testing. Allele origin: germline.
Comment: This sequence change replaces cysteine, which is neutral and slightly polar, with tyrosine, which is neutral and polar, at codon 1962 of the DNAH5 protein (p.Cys1962Tyr). This variant is not present in population databases (gnomAD no frequency). This variant has not been reported in the literature in individuals affected with DNAH5-related conditions. Algorithms developed to predict the effect of missense changes on protein structure and function are either unavailable or do not agree on the potential impact of this missense change (SIFT: "Deleterious"; PolyPhen-2: "Possibly Damaging"; Align-GVGD: "Class C0"). In summary, the available evidence is currently insufficient to determine the role of this variant in disease. Therefore, it has been classified as a Variant of Uncertain Significance.

NM_001369.3(DNAH5):c.5885G>A (p.Cys1962Tyr)

Gene: DNAH5 (dynein axonemal heavy chain 5; minus strand). Cytogenetic location: 5p15.2.
Variant type: single nucleotide variant.
Coding change: c.5885G>A on transcript NM_001369.3 (MANE Select); coding-DNA position 5885, G replaced by A.
Protein change: p.Cys1962Tyr; replaces cysteine 1962 with tyrosine.
Molecular consequence: missense variant.
Genome position (GRCh38, 1-based): chr5:13,830,773, C>T on the plus strand (G>A on the coding strand, the complement: DNAH5 is on the minus strand). VCF-style: chr5-13830773-C-T. GRCh37 (hg19) VCF-style: chr5-13830882-C-T.
Other names: c.5885G>A (NM_001369.2); short protein forms C1962Y.
Identifiers: ClinVar variation 1985198 (VCV001985198.3), dbSNP rs1763565713, ClinGen allele CA359203175.
Genomic context (GRCh38, chr5:13,830,773, plus strand): 5'-GCAGGTCCAGCAGGGGCTCCCCCCATGCTCATTCCCAGAGCTTGAGCCAGCGTGATGTAA[C>T]ATCTGCATGGGTAGAAACATCACTAGAACCAGCCCTCAGTCACCTGGAAATACTTCTGAG-3'
Protein context (NP_001360.1, residues 1952-1972): RLVITPLTDR[Cys1962Tyr]YITLAQALGM